The following is an entry in ClinVar:

NM_002485.5(NBN):c.884A>C (p.Asp295Ala)

Gene: NBN (nibrin; minus strand). Cytogenetic location: 8q21.3.
Variant type: single nucleotide variant.
Coding change: c.884A>C on transcript NM_002485.5 (MANE Select); coding-DNA position 884, A replaced by C.
Protein change: p.Asp295Ala; replaces aspartic acid 295 with alanine.
Molecular consequence: missense variant.
Genome position (GRCh38, 1-based): chr8:89,970,376, T>G on the plus strand (A>C on the coding strand, the complement: NBN is on the minus strand). VCF-style: chr8-89970376-T-G. GRCh37 (hg19) VCF-style: chr8-90982604-T-G.
Other names: c.638A>C, p.Asp213Ala (NM_001024688.3); short protein forms D295A, D213A.
Identifiers: ClinVar variation 630521 (VCV000630521.11), dbSNP rs1208423434, ClinGen allele CA371658220.
Genomic context (GRCh38, chr8:89,970,376, plus strand): 5'-TAAAATCTCCTACTTGCAGTTTTTTACTAATAAAGAATAATTCTATACCTTTGGAGCATA[T>G]CCATTATTGACTGAATCCATTTCTTCTGACAGTCAGGAATTAAGGTCTGTGAGTTTGTTA-3'
Protein context (NP_002476.2, residues 285-305): CQKKWIQSIM[Asp295Ala]MLQRQGLRPI

ClinVar aggregate classification (germline): Uncertain significance. Review status: criteria provided, multiple submitters, no conflicts (2 of 4 stars). 3 submissions from 3 submitters: Uncertain significance (3). Last evaluated 2024-10-29.

Conditions:
Microcephaly, normal intelligence and immunodeficiency (NBS). Also called: Immunodeficiency, microcephaly with normal intelligence; SEEMANOVA SYNDROME II; Nijmegen breakage syndrome; Microcephaly with normal intelligence immunodeficiency and lymphoreticular malignancies; Nonsyndromal microcephaly autosomal recessive with normal intelligence; Seemanova syndrome 2. Identifiers: Orphanet 647, MedGen C0398791, MONDO:0009623, OMIM 251260.
Hereditary cancer-predisposing syndrome. Also called: Hereditary Cancer Syndrome; Neoplastic Syndromes, Hereditary; Tumor predisposition; Hereditary neoplastic syndrome. Identifiers: Orphanet 140162, MedGen C0027672, MeSH D009386, MONDO:0015356.

Allele frequency attached by ClinVar (database versions not stated): gnomAD exomes below 0.00001; TOPMed below 0.00001.
gnomAD v4.1: 1 of 1,609,552 alleles (0.000062%); highest among the groups gnomAD compares: East Asian, 0.0022%; no homozygotes.

Submissions (3):

Ambry Genetics
Classification: Uncertain significance for Hereditary cancer-predisposing syndrome. Last evaluated: 2024-10-29. Review status: criteria provided, single submitter. Criteria: Ambry Variant Classification Scheme 2023. Collection method: clinical testing. Allele origin: germline.
Comment: The p.D295A variant (also known as c.884A>C), located in coding exon 7 of the NBN gene, results from an A to C substitution at nucleotide position 884. The aspartic acid at codon 295 is replaced by alanine, an amino acid with dissimilar properties. This amino acid position is well conserved in available vertebrate species. In addition, this alteration is predicted to be tolerated by in silico analysis. Since supporting evidence is limited at this time, the clinical significance of this alteration remains unclear.

Genome-Nilou Lab
Classification: Uncertain significance for Microcephaly, normal intelligence and immunodeficiency. Last evaluated: 2021-11-07. Review status: criteria provided, single submitter. Criteria: ACMG Guidelines, 2015. Collection method: clinical testing. Allele origin: germline. Affected: no.

Labcorp Genetics (formerly Invitae), Labcorp
Classification: Uncertain significance for Microcephaly, normal intelligence and immunodeficiency. Last evaluated: 2021-08-24. Review status: criteria provided, single submitter. Criteria: Invitae Variant Classification Sherloc (09022015). Collection method: clinical testing. Allele origin: germline.
Comment: This sequence change replaces aspartic acid with alanine at codon 295 of the NBN protein (p.Asp295Ala). The aspartic acid residue is weakly conserved and there is a moderate physicochemical difference between aspartic acid and alanine. This variant is not present in population databases (ExAC no frequency). This variant has not been reported in the literature in individuals affected with NBN-related conditions. Algorithms developed to predict the effect of missense changes on protein structure and function (SIFT, PolyPhen-2, Align-GVGD) all suggest that this variant is likely to be tolerated. In summary, the available evidence is currently insufficient to determine the role of this variant in disease. Therefore, it has been classified as a Variant of Uncertain Significance.